The following is an entry in ClinVar:

ClinVar aggregate classification (germline): Likely benign (0 of 4 stars; one submission).

Conditions:
ALAD-related disorder. Also called: ALAD-related condition.

Allele frequency attached by ClinVar (database versions not stated): 1000 Genomes Project 30x 0.00062; 1000 Genomes Project 0.00080.
gnomAD v4.1: 225 of 1,597,300 alleles (0.014%); highest among the groups gnomAD compares: East Asian, 0.5%; no homozygotes.

Submission:

PreventionGenetics, part of Exact Sciences
Classification: Likely benign for ALAD-related condition. Last evaluated: 2019-05-02. Review status: no assertion criteria provided. Collection method: clinical testing. Allele origin: germline.
Comment: This variant is classified as likely benign based on ACMG/AMP sequence variant interpretation guidelines (Richards et al. 2015 PMID: 25741868, with internal and published modifications).

NM_000031.6(ALAD):c.114-108C>T

Gene: ALAD (aminolevulinate dehydratase; minus strand). Cytogenetic location: 9q32.
Variant type: single nucleotide variant.
Coding change: c.114-108C>T on transcript NM_000031.6 (MANE Select); 108 bases into the intron before coding-DNA position 114, C replaced by T.
Molecular consequence: intron variant. On other transcripts: synonymous variant (1).
Genome position (GRCh38, 1-based): chr9:113,392,277, G>A on the plus strand (C>T on the coding strand, the complement: ALAD is on the minus strand). VCF-style: chr9-113392277-G-A. GRCh37 (hg19) VCF-style: chr9-116154557-G-A.
Other names: c.93C>T, p.Ile31= (NM_001003945.3); c.141-654C>T (NM_001317745.2).
Identifiers: ClinVar variation 3037251 (VCV003037251.2), dbSNP rs147065323, ClinGen allele CA5196638.
Genomic context (GRCh38, chr9:113,392,277, plus strand): 5'-AGTGGTGCGGGGGCGACTGAGAGGGATGGTTGGGAAGCAGGAAAGAAATATGGAAGTGGA[G>A]ATGGTGGGAGGAGGATGGGATCCAGTGTCTGGCTTCCCTGCCTGGCCAAGCCCAGGGCCT-3'